The following is an entry in ClinVar:

ClinVar aggregate classification (germline): Uncertain significance. Review status: criteria provided, multiple submitters, no conflicts (2 of 4 stars). 4 submissions from 4 submitters: Uncertain significance (4). Last evaluated 2025-08-24.

Allele frequency attached by ClinVar (database versions not stated): gnomAD exomes below 0.00001 and 0.00001; ExAC 0.00001; gnomAD 0.00001; ESP Exome Variant Server 0.00008.
gnomAD v4.1: 9 of 1,609,720 alleles (0.00056%); highest among the groups gnomAD compares: South Asian, 0.0022%; no homozygotes.

Submissions (4):

Ambry Genetics
Classification: Uncertain significance. Last evaluated: 2025-08-24. Review status: criteria provided, single submitter. Criteria: Ambry Variant Classification Scheme 2023. Collection method: clinical testing. Allele origin: germline.
Comment: The p.R212W variant (also known as c.634C>T), located in coding exon 3 of the GALNT12 gene, results from a C to T substitution at nucleotide position 634. The arginine at codon 212 is replaced by tryptophan, an amino acid with dissimilar properties. This amino acid position is highly conserved in available vertebrate species. In addition, this alteration is predicted to be deleterious by in silico analysis. Since supporting evidence is limited at this time, the clinical significance of this alteration remains unclear.

Quest Diagnostics Nichols Institute San Juan Capistrano
Classification: Uncertain significance. Last evaluated: 2025-08-01. Review status: criteria provided, single submitter. Criteria: Quest Diagnostics criteria. Collection method: clinical testing. Allele origin: unknown.
Comment: The GALNT12 c.634C>T (p.Arg212Trp) variant has not been reported in individuals with GALNT12-related conditions in the published literature. The frequency of this variant in the general population (Genome Aggregation Database) is uninformative in the assessment of its pathogenicity. Analysis of this variant using bioinformatics tools for the prediction of the effect of amino acid changes on protein structure and function yielded predictions that this variant is damaging. Based on the available information, we are unable to determine the clinical significance of this variant.

Labcorp Genetics (formerly Invitae), Labcorp
Classification: Uncertain significance. Last evaluated: 2024-03-06. Review status: criteria provided, single submitter. Criteria: Invitae Variant Classification Sherloc (09022015). Collection method: clinical testing. Allele origin: germline.
Comment: This sequence change replaces arginine, which is basic and polar, with tryptophan, which is neutral and slightly polar, at codon 212 of the GALNT12 protein (p.Arg212Trp). The frequency data for this variant in the population databases is considered unreliable, as metrics indicate poor data quality at this position in the gnomAD database. This variant has not been reported in the literature in individuals affected with GALNT12-related conditions. ClinVar contains an entry for this variant (Variation ID: 1319620). Advanced modeling of protein sequence and biophysical properties (such as structural, functional, and spatial information, amino acid conservation, physicochemical variation, residue mobility, and thermodynamic stability) performed at Invitae indicates that this missense variant is expected to disrupt GALNT12 protein function with a positive predictive value of 80%. In summary, the available evidence is currently insufficient to determine the role of this variant in disease. Therefore, it has been classified as a Variant of Uncertain Significance.

Institute for Clinical Genetics, University Hospital TU Dresden, University Hospital TU Dresden
Classification: Uncertain significance. Last evaluated: 2021-11-03. Review status: criteria provided, single submitter. Criteria: ACMG Guidelines, 2015. Collection method: clinical testing. Allele origin: germline.

NM_024642.5(GALNT12):c.634C>T (p.Arg212Trp)

Gene: GALNT12 (polypeptide N-acetylgalactosaminyltransferase 12; plus strand). Cytogenetic location: 9q22.33.
Variant type: single nucleotide variant.
Coding change: c.634C>T on transcript NM_024642.5 (MANE Select); coding-DNA position 634, C replaced by T.
Protein change: p.Arg212Trp; replaces arginine 212 with tryptophan.
Molecular consequence: missense variant.
Genome position (GRCh38, 1-based): chr9:98,826,844, C>T. VCF-style: chr9-98826844-C-T. GRCh37 (hg19) VCF-style: chr9-101589126-C-T.
Other names: short protein forms R212W.
Identifiers: ClinVar variation 1319620 (VCV001319620.11), dbSNP rs371040665, ClinGen allele CA5154011.